The following is an entry in ClinVar:

NM_031475.3(ESPN):c.709G>A (p.Asp237Asn)

Gene: ESPN (espin; plus strand). Cytogenetic location: 1p36.31.
Variant type: single nucleotide variant.
Coding change: c.709G>A on transcript NM_031475.3 (MANE Select); coding-DNA position 709, G replaced by A.
Protein change: p.Asp237Asn; replaces aspartic acid 237 with asparagine.
Molecular consequence: missense variant.
Genome position (GRCh38, 1-based): chr1:6,440,659, G>A. VCF-style: chr1-6440659-G-A. GRCh37 (hg19) VCF-style: chr1-6500719-G-A.
Other names: c.709G>A, p.Asp237Asn (NM_001367473.1, NM_001367474.1); short protein forms D237N.
Identifiers: ClinVar variation 1937252 (VCV001937252.5), dbSNP rs1483139612, ClinGen allele CA338089725.
Genomic context (GRCh38, chr1:6,440,659, plus strand): 5'-CCCCCTCTCCCCGCCCGTCCCGCCCAGGTGAGCTGCACCGACGTGAGCCTGTCCGAGCAG[G>A]ACAAAGACGGCGCCACCGCCATGCACTTCGCGGCGAGCCGCGGCCACACCAAGGTGCTCA-3'
Protein context (NP_113663.2, residues 227-247): SCTDVSLSEQ[Asp237Asn]KDGATAMHFA

ClinVar aggregate classification (germline): Uncertain significance (1 of 4 stars; one submission).

Allele frequency attached by ClinVar (database versions not stated): gnomAD exomes below 0.00001.
gnomAD v4.1: 5 of 1,528,498 alleles (0.00033%); highest among the groups gnomAD compares: Non-Finnish European, 0.00044%; no homozygotes.

Submission:

Labcorp Genetics (formerly Invitae), Labcorp
Classification: Uncertain significance. Last evaluated: 2022-03-23. Review status: criteria provided, single submitter. Criteria: Invitae Variant Classification Sherloc (09022015). Collection method: clinical testing. Allele origin: germline.
Comment: This sequence change replaces aspartic acid, which is acidic and polar, with asparagine, which is neutral and polar, at codon 237 of the ESPN protein (p.Asp237Asn). This variant is not present in population databases (gnomAD no frequency). In summary, the available evidence is currently insufficient to determine the role of this variant in disease. Therefore, it has been classified as a Variant of Uncertain Significance. Algorithms developed to predict the effect of sequence changes on RNA splicing suggest that this variant may disrupt the consensus splice site. Algorithms developed to predict the effect of missense changes on protein structure and function are either unavailable or do not agree on the potential impact of this missense change (SIFT: "Tolerated"; PolyPhen-2: "Possibly Damaging"; Align-GVGD: "Class C0"). This variant has not been reported in the literature in individuals affected with ESPN-related conditions.